The following is an entry in ClinVar:

NM_002335.4(LRP5):c.2724C>G (p.His908Gln)

Gene: LRP5 (LDL receptor related protein 5; plus strand). Cytogenetic location: 11q13.2.
Variant type: single nucleotide variant.
Coding change: c.2724C>G on transcript NM_002335.4 (MANE Select); coding-DNA position 2724, C replaced by G.
Protein change: p.His908Gln; replaces histidine 908 with glutamine.
Molecular consequence: missense variant.
Genome position (GRCh38, 1-based): chr11:68,413,909, C>G. VCF-style: chr11-68413909-C-G. GRCh37 (hg19) VCF-style: chr11-68181377-C-G.
Other names: c.981C>G, p.His327Gln (NM_001291902.2); c.2724C>G (NM_002335.2); short protein forms H327Q, H908Q.
Identifiers: ClinVar variation 858315 (VCV000858315.64), dbSNP rs143539498, ClinGen allele CA6149721.

ClinVar aggregate classification (germline): Conflicting classifications of pathogenicity. Review status: criteria provided, conflicting classifications (1 of 4 stars). 6 submissions from 6 submitters: Uncertain significance (2); Likely benign (3). 1 of the submissions does not count toward it. Last evaluated 2026-03-13.

Conditions:
Autosomal dominant polycystic liver disease. Also called: Congenital cystic disease of liver; Polycystic liver disease. Identifiers: Orphanet 2924, MedGen C0158683, MONDO:0000447, HP:0006557.
Inborn genetic diseases. Identifiers: MedGen C0950123, MeSH D030342.
LRP5-related disorder. Also called: LRP5-related condition.

Allele frequency attached by ClinVar (database versions not stated): ExAC 0.00007; ESP Exome Variant Server 0.00008; gnomAD 0.00011; TOPMed 0.00012.
gnomAD v4.1: 116 of 1,612,466 alleles (0.0072%); highest among the groups gnomAD compares: Middle Eastern, 0.066%; no homozygotes.

Submissions (6):

PreventionGenetics, part of Exact Sciences
Classification: Uncertain significance for LRP5-related condition. Last evaluated: 2026-03-13. Review status: criteria provided, single submitter. Criteria: ACMG Guidelines, 2015. Collection method: clinical testing. Allele origin: germline.
Comment: The LRP5 c.2724C>G variant is predicted to result in the amino acid substitution p.His908Gln. To our knowledge, this variant has not been reported in the literature. This variant is reported in 0.011% of alleles in individuals of European (Non-Finnish) descent in gnomAD. At this time, the clinical significance of this variant is uncertain due to the absence of conclusive functional and genetic evidence.

Labcorp Genetics (formerly Invitae), Labcorp
Classification: Likely benign. Last evaluated: 2025-07-31. Review status: criteria provided, single submitter. Criteria: Invitae Variant Classification Sherloc (09022015). Collection method: clinical testing. Allele origin: germline.

Blueprint Genetics
Classification: Likely benign. Last evaluated: 2024-11-25. Review status: criteria provided, single submitter. Criteria: ACMG Guidelines, 2015. Collection method: clinical testing. Allele origin: germline.

Ambry Genetics
Classification: Uncertain significance for Inborn genetic diseases. Last evaluated: 2023-10-27. Review status: criteria provided, single submitter. Criteria: Ambry Variant Classification Scheme 2023. Collection method: clinical testing. Allele origin: germline.

CeGaT Center for Human Genetics Tuebingen
Classification: Likely benign. Last evaluated: 2023-01-01. Review status: criteria provided, single submitter. Criteria: CeGaT Center For Human Genetics Tuebingen Variant Classification Criteria Version 2. Collection method: clinical testing. Allele origin: germline. Affected: yes. Observed: 1 variant allele.
Comment: LRP5: BP4

Laboratory of Gastroenterology and Hepatology, Radboud University Medical Center
Classification: Likely benign for Autosomal dominant polycystic liver disease. Last evaluated: 2021-09-01. Review status: no assertion criteria provided. Collection method: research. Allele origin: germline. Affected: yes. Not counted in ClinVar's aggregate classification.